The following is an entry in ClinVar:

ClinVar aggregate classification (germline): Uncertain significance (1 of 4 stars; one submission).

Submission:

GeneDx
Classification: Uncertain significance. Last evaluated: 2026-04-14. Review status: criteria provided, single submitter. Criteria: GeneDx Variant Classification Process June 2021. Collection method: clinical testing. Allele origin: germline.
Comment: Not observed at significant frequency in large population cohorts (gnomAD); In silico analysis supports that this missense variant has a deleterious effect on protein structure/function; Has not been previously published as pathogenic or benign to our knowledge

NM_018486.3(HDAC8):c.385G>A (p.Gly129Arg)

Gene: HDAC8 (histone deacetylase 8; minus strand). Cytogenetic location: Xq13.1.
Variant type: single nucleotide variant.
Coding change: c.385G>A on transcript NM_018486.3 (MANE Select); coding-DNA position 385, G replaced by A.
Protein change: p.Gly129Arg; replaces glycine 129 with arginine.
Molecular consequence: missense variant. On other transcripts: non-coding transcript variant (4), intron variant (3).
Genome position (GRCh38, 1-based): chrX:72,567,941, C>T on the plus strand (G>A on the coding strand, the complement: HDAC8 is on the minus strand). VCF-style: chrX-72567941-C-T. GRCh37 (hg19) VCF-style: chrX-71787791-C-T.
Other names: c.385G>A, p.Gly129Arg (NM_001166419.2, NM_001166420.2, NM_001166422.2 and 5 more transcripts); c.164+4116G>A (NM_001166418.2, NM_001410728.1, NM_001166448.2); short protein forms G129R.
Identifiers: ClinVar variation 5037072 (VCV005037072.1).